The following is an entry in ClinVar:

ClinVar aggregate classification (germline): Benign/Likely benign. Review status: criteria provided, multiple submitters, no conflicts (2 of 4 stars). 15 submissions from 15 submitters: Benign (6); Likely benign (7). 2 of the submissions do not count toward it. Last evaluated 2026-09-01.

Conditions:
Inborn genetic diseases. Identifiers: MedGen C0950123, MeSH D030342.
Cornelia de Lange syndrome 1 (CDLS1). Also called: TYPUS DEGENERATIVUS AMSTELODAMENSIS; Brachmann de Lange syndrome; NIPBL-Related Cornelia de Lange Syndrome. Identifiers: Orphanet 199, MedGen C4551851, MONDO:0007387, OMIM 122470.

Allele frequency attached by ClinVar (database versions not stated): 1000 Genomes Project 30x 0.00078; gnomAD 0.00365 and 0.00346; TOPMed 0.00175; ExAC 0.00371; gnomAD exomes 0.00384; 1000 Genomes Project 0.00100; ESP Exome Variant Server 0.00223.
gnomAD v4.1: 5,162 of 1,613,932 alleles (0.32%); highest among the groups gnomAD compares: Non-Finnish European, 0.3%; 20 homozygotes.

Submissions (15):

CeGaT Center for Human Genetics Tuebingen
Classification: Likely benign. Last evaluated: 2026-09-01. Review status: criteria provided, single submitter. Criteria: CeGaT Center For Human Genetics Tuebingen Variant Classification Criteria Version 2. Collection method: clinical testing. Allele origin: germline. Affected: yes. Observed: 42 variant alleles.
Comment: NIPBL: PM5, BS1

Labcorp Genetics (formerly Invitae), Labcorp
Classification: Benign for Cornelia de Lange syndrome 1. Last evaluated: 2026-01-15. Review status: criteria provided, single submitter. Criteria: Invitae Variant Classification Sherloc (09022015). Collection method: clinical testing. Allele origin: germline.

Blueprint Genetics
Classification: Likely benign. Last evaluated: 2024-11-26. Review status: criteria provided, single submitter. Criteria: ACMG Guidelines, 2015. Collection method: clinical testing. Allele origin: germline.

Fulgent Genetics
Classification: Likely benign for Cornelia de Lange syndrome 1. Last evaluated: 2021-11-04. Review status: criteria provided, single submitter. Criteria: ACMG Guidelines, 2015. Collection method: clinical testing. Allele origin: unknown.

Genome-Nilou Lab
Classification: Benign for Cornelia de Lange syndrome 1. Last evaluated: 2021-07-15. Review status: criteria provided, single submitter. Criteria: ACMG Guidelines, 2015. Collection method: clinical testing. Allele origin: germline. Affected: no.

GeneDx
Classification: Benign. Last evaluated: 2020-02-06. Review status: criteria provided, single submitter. Criteria: GeneDx Variant Classification Process June 2021. Collection method: clinical testing. Allele origin: germline. Affected: yes.
Comment: This variant is associated with the following publications: (PMID: 25996639, 21934712)

Ambry Genetics
Classification: Benign for Inborn genetic diseases. Last evaluated: 2017-06-09. Review status: criteria provided, single submitter. Criteria: Ambry Variant Classification Scheme 2023. Collection method: clinical testing. Allele origin: germline.

Illumina Laboratory Services, Illumina
Classification: Likely benign for Cornelia de Lange syndrome 1. Last evaluated: 2017-04-27. Review status: criteria provided, single submitter. Criteria: ICSL Variant Classification Criteria 13 December 2019. Collection method: clinical testing. Allele origin: germline.
Comment: This variant was observed as part of a predisposition screen in an ostensibly healthy population. A literature search was performed for the gene, cDNA change, and amino acid change (where applicable). No publications were found based on this search. Allele frequency data from public databases allowed determination this variant is unlikely to cause disease. Therefore, this variant is classified as likely benign.

Center for Pediatric Genomic Medicine, Children's Mercy Hospital and Clinics
Classification: Likely benign. Last evaluated: 2017-01-05. Review status: criteria provided, single submitter. Criteria: ACMG Guidelines, 2015. Collection method: clinical testing. Allele origin: germline.
ClinVar note: Converted during submission from Likely Benign to Likely benign.

Eurofins Ntd Llc (ga)
Classification: Benign. Last evaluated: 2015-03-25. Review status: criteria provided, single submitter. Criteria: EGL Classification Definitions 2015. Collection method: clinical testing. Allele origin: germline. Observed: 2 variant alleles, 2 heterozygotes.

Genetic Services Laboratory, University of Chicago
Classification: Benign. Last evaluated: 2013-02-08. Review status: criteria provided, single submitter. Criteria: ACMG Guidelines, 2007. Collection method: clinical testing. Allele origin: germline. Inheritance: Autosomal dominant inheritance.

Breakthrough Genomics
Classification: Likely benign. Review status: criteria provided, single submitter. Criteria: ACMG Guidelines, 2015. Collection method: not provided. Allele origin: germline. Inheritance: Autosomal dominant inheritance. Affected: yes.

PreventionGenetics, part of Exact Sciences
Classification: Likely benign. Review status: criteria provided, single submitter. Criteria: ACMG Guidelines, 2015. Collection method: clinical testing. Allele origin: germline.

Clinical Genetics DNA and cytogenetics Diagnostics Lab, Erasmus MC, Erasmus Medical Center
Classification: Likely benign. Review status: no assertion criteria provided. Collection method: clinical testing. Allele origin: germline. Affected: yes. Study: VKGL Data-share Consensus. Not counted in ClinVar's aggregate classification.

Laboratory of Diagnostic Genome Analysis, Leiden University Medical Center (LUMC)
Classification: Likely benign. Review status: no assertion criteria provided. Collection method: clinical testing. Allele origin: germline. Affected: yes. Study: VKGL Data-share Consensus. Not counted in ClinVar's aggregate classification.

NM_133433.4(NIPBL):c.535G>A (p.Ala179Thr)

Gene: NIPBL (NIPBL cohesin loading factor; plus strand). Cytogenetic location: 5p13.2.
Variant type: single nucleotide variant.
Coding change: c.535G>A on transcript NM_133433.4 (MANE Select); coding-DNA position 535, G replaced by A.
Protein change: p.Ala179Thr; replaces alanine 179 with threonine.
Molecular consequence: missense variant.
Genome position (GRCh38, 1-based): chr5:36,962,199, G>A. VCF-style: chr5-36962199-G-A. GRCh37 (hg19) VCF-style: chr5-36962301-G-A.
Other names: c.535G>A, p.Ala179Thr (NM_015384.5); short protein forms A179T.
Identifiers: ClinVar variation 96343 (VCV000096343.60), dbSNP rs142923613, ClinGen allele CA172724.
Genomic context (GRCh38, chr5:36,962,199, plus strand): 5'-CAGACAAGCTCTGGGAACAGATTTATGCCACAGCAAAATAGCCCAGTGCCTAGTCCATAC[G>A]CCCCACAAAGCCCTGCAGGATACATGCCATATTCCCATCCTTCAAGTTACACAACACATC-3'
Protein context (NP_597677.2, residues 169-189): QQNSPVPSPY[Ala179Thr]PQSPAGYMPY